The following is an entry in ClinVar:

NM_006277.3(ITSN2):c.2543T>C (p.Leu848Pro)

Gene: ITSN2 (intersectin 2; minus strand). Cytogenetic location: 2p23.3.
Variant type: single nucleotide variant.
Coding change: c.2543T>C on transcript NM_006277.3 (MANE Select); coding-DNA position 2543, T replaced by C.
Protein change: p.Leu848Pro; replaces leucine 848 with proline.
Molecular consequence: missense variant.
Genome position (GRCh38, 1-based): chr2:24,261,245, A>G on the plus strand (T>C on the coding strand, the complement: ITSN2 is on the minus strand). VCF-style: chr2-24261245-A-G. GRCh37 (hg19) VCF-style: chr2-24484114-A-G.
Other names: c.2501T>C, p.Leu834Pro (NM_001348181.2); c.2423T>C, p.Leu808Pro (NM_001348182.2, NM_001348186.2); c.2462T>C, p.Leu821Pro (NM_001348183.2, NM_019595.4); c.2420T>C, p.Leu807Pro (NM_001348184.2); c.2504T>C, p.Leu835Pro (NM_001348185.2); c.2543T>C, p.Leu848Pro (NM_147152.3); short protein forms L808P, L834P, L848P, L807P, L821P, L835P.
Identifiers: ClinVar variation 2042853 (VCV002042853.4), dbSNP rs1423337180, ClinGen allele CA346024715.

ClinVar aggregate classification (germline): Uncertain significance (1 of 4 stars; one submission).

Allele frequency attached by ClinVar (database versions not stated): TOPMed 0.00002; gnomAD exomes below 0.00001.

Submission:

Labcorp Genetics (formerly Invitae), Labcorp
Classification: Uncertain significance. Last evaluated: 2022-04-04. Review status: criteria provided, single submitter. Criteria: Invitae Variant Classification Sherloc (09022015). Collection method: clinical testing. Allele origin: germline.
Comment: This variant has not been reported in the literature in individuals affected with ITSN2-related conditions. Algorithms developed to predict the effect of missense changes on protein structure and function are either unavailable or do not agree on the potential impact of this missense change (SIFT: "Tolerated"; PolyPhen-2: "Not Available"; Align-GVGD: "Class C0"). In summary, the available evidence is currently insufficient to determine the role of this variant in disease. Therefore, it has been classified as a Variant of Uncertain Significance. This variant is present in population databases (no rsID available, gnomAD 0.007%). This sequence change replaces leucine, which is neutral and non-polar, with proline, which is neutral and non-polar, at codon 848 of the ITSN2 protein (p.Leu848Pro).